The following is an entry in ClinVar:

NM_000038.6(APC):c.422+2121T>G

Gene: APC (APC regulator of WNT signaling pathway; plus strand). Cytogenetic location: 5q22.2.
Variant type: single nucleotide variant.
Coding change: c.422+2121T>G on transcript NM_000038.6 (MANE Select); 2121 bases into the intron after coding-DNA position 422, T replaced by G.
Molecular consequence: intron variant.
Genome position (GRCh38, 1-based): chr5:112,769,511, T>G. VCF-style: chr5-112769511-T-G. GRCh37 (hg19) VCF-style: chr5-112105208-T-G.
Other names: c.422+2121T>G (NM_001354895.2, NM_001127510.3, NM_001354896.2 and 2 more transcripts); c.452+2121T>G (NM_001354897.2, NM_001354902.2, NM_001127511.3); c.347+2121T>G (NM_001354898.2, NM_001354904.2); c.-614+2121T>G (NM_001354906.2); c.245+2121T>G (NM_001354900.2, NM_001354901.2, NM_001354905.2).
Identifiers: ClinVar variation 82883 (VCV000082883.2), dbSNP rs77010277, ClinGen allele CA009050.

ClinVar aggregate classification (germline): other (0 of 4 stars; one submission).

Conditions:
Familial colorectal cancer. Identifiers: MedGen CN280943, MONDO:0023113. Disease mechanism: loss of function.

Allele frequency attached by ClinVar (database versions not stated): TOPMed 0.07218; gnomAD 0.07873 and 0.07993; 1000 Genomes Project 30x 0.10493; 1000 Genomes Project 0.10543.
gnomAD v4.1: 9,871 of 123,904 alleles (8%); highest among the groups gnomAD compares: East Asian, 23%; 695 homozygotes.

Submission:

Systems Biology Platform Zhejiang California International NanoSystems Institute
Classification: other for Familial colorectal cancer. Review status: no assertion criteria provided. Collection method: not provided. Allele origin: unknown.
ClinVar note: Converted during submission from cancer to other.